The following is an entry in ClinVar:

NM_003738.5(PTCH2):c.3190G>C (p.Asp1064His)

Gene: PTCH2 (patched 2; minus strand). Cytogenetic location: 1p34.1.
Variant type: single nucleotide variant.
Coding change: c.3190G>C on transcript NM_003738.5 (MANE Select); coding-DNA position 3190, G replaced by C.
Protein change: p.Asp1064His; replaces aspartic acid 1064 with histidine.
Molecular consequence: missense variant.
Genome position (GRCh38, 1-based): chr1:44,823,310, C>G on the plus strand (G>C on the coding strand, the complement: PTCH2 is on the minus strand). VCF-style: chr1-44823310-C-G. GRCh37 (hg19) VCF-style: chr1-45288982-C-G.
Other names: c.3190G>C, p.Asp1064His (NM_001166292.2); short protein forms D1064H.
Identifiers: ClinVar variation 4745111 (VCV004745111.1).

ClinVar aggregate classification (germline): Uncertain significance (1 of 4 stars; one submission).

Conditions:
Gorlin syndrome. Also called: Nevoid Basal Cell Carcinoma Syndrome; Basal cell nevus syndrome. Identifiers: Orphanet 377, MedGen C0004779, MONDO:0007187.

gnomAD v4.1: 3 of 1,614,204 alleles (0.00019%); highest among the groups gnomAD compares: South Asian, 0.0022%; no homozygotes.

Submission:

Labcorp Genetics (formerly Invitae), Labcorp
Classification: Uncertain significance for Gorlin syndrome. Last evaluated: 2026-01-28. Review status: criteria provided, single submitter. Criteria: Invitae Variant Classification Sherloc (09022015). Collection method: clinical testing. Allele origin: germline.
Comment: This sequence change replaces aspartic acid, which is acidic and polar, with histidine, which is basic and polar, at codon 1064 of the PTCH2 protein (p.Asp1064His). This variant is present in population databases (rs758108389, gnomAD 0.007%). This variant has not been reported in the literature in individuals affected with PTCH2-related conditions. Invitae Evidence Modeling of protein sequence and biophysical properties (such as structural, functional, and spatial information, amino acid conservation, physicochemical variation, residue mobility, and thermodynamic stability) indicates that this missense variant is not expected to disrupt PTCH2 protein function with a negative predictive value of 80%. In summary, the available evidence is currently insufficient to determine the role of this variant in disease. Therefore, it has been classified as a Variant of Uncertain Significance.